The following is an entry in ClinVar:

NM_005629.4(SLC6A8):c.395-1G>T

Gene: SLC6A8 (solute carrier family 6 member 8; plus strand). Cytogenetic location: Xq28.
Variant type: single nucleotide variant.
Coding change: c.395-1G>T on transcript NM_005629.4 (MANE Select); the canonical splice acceptor site of the intron before coding-DNA position 395, G replaced by T.
Molecular consequence: splice acceptor variant.
Genome position (GRCh38, 1-based): chrX:153,691,303, G>T. VCF-style: chrX-153691303-G-T. GRCh37 (hg19) VCF-style: chrX-152956758-G-T.
Other names: c.395-1G>T (NM_001142805.2); c.50-1G>T (NM_001142806.1).
Identifiers: ClinVar variation 4714226 (VCV004714226.1).

ClinVar aggregate classification (germline): Likely pathogenic (1 of 4 stars; one submission).

Conditions:
Creatine transporter deficiency (CCDS1). Also called: CEREBRAL CREATINE DEFICIENCY SYNDROME 1; Creatine Transporter (CRTR) Deficiency; Mental retardation , X-linked with seizures, short stature and midface hypoplasia; Mental retardation , X-linked, with creatine transport deficiency; X-linked creatine transporter deficiency; X-linked creatine deficiency syndrome. Identifiers: Orphanet 52503, MedGen C1845862, MONDO:0010305, OMIM 300352.

Submission:

Labcorp Genetics (formerly Invitae), Labcorp
Classification: Likely pathogenic for Creatine transporter deficiency. Last evaluated: 2025-03-03. Review status: criteria provided, single submitter. Criteria: Invitae Variant Classification Sherloc (09022015). Collection method: clinical testing. Allele origin: germline.
Comment: This sequence change affects an acceptor splice site in intron 2 of the SLC6A8 gene. It is expected to disrupt RNA splicing. Variants that disrupt the donor or acceptor splice site typically lead to a loss of protein function (PMID: 16199547), and loss-of-function variants in SLC6A8 are known to be pathogenic (PMID: 22281021). This variant is not present in population databases (gnomAD no frequency). This variant has not been reported in the literature in individuals affected with SLC6A8-related conditions. Algorithms developed to predict the effect of sequence changes on RNA splicing suggest that this variant may disrupt the consensus splice site. In summary, the currently available evidence indicates that the variant is pathogenic, but additional data are needed to prove that conclusively. Therefore, this variant has been classified as Likely Pathogenic.

Literature cited by the submitters: PubMed 16199547; PubMed 22281021.